The following is an entry in ClinVar:

ClinVar aggregate classification (germline): Uncertain significance (1 of 4 stars; one submission).

Conditions:
Emery-Dreifuss muscular dystrophy 4, autosomal dominant (EDMD4). Also called: EMERY-DREIFUSS MUSCULAR DYSTROPHY 4 WITH VARIABLE FEATURES. Identifiers: Orphanet 261, MedGen C2751807, MONDO:0013071, OMIM 612998.
Autosomal recessive ataxia, Beauce type. Also called: SYNE1 Deficiency; Spinocerebellar ataxia, autosomal recessive 8; ATAXIA, RECESSIVE, OF BEAUCE; SYNE1-Related Autosomal Recessive Cerebellar Ataxia. Identifiers: Orphanet 88644, MedGen C1853116, MONDO:0012549, OMIM 610743.

Allele frequency attached by ClinVar (database versions not stated): ExAC 0.00002.
gnomAD v4.1: 19 of 1,613,982 alleles (0.0012%); highest among the groups gnomAD compares: Admixed American, 0.012%; no homozygotes.

Submission:

Labcorp Genetics (formerly Invitae), Labcorp
Classification: Uncertain significance for Emery-Dreifuss muscular dystrophy 4, autosomal dominant; Autosomal recessive ataxia, Beauce type. Last evaluated: 2024-12-18. Review status: criteria provided, single submitter. Criteria: Invitae Variant Classification Sherloc (09022015). Collection method: clinical testing. Allele origin: germline.
Comment: This sequence change replaces arginine, which is basic and polar, with glutamine, which is neutral and polar, at codon 3077 of the SYNE1 protein (p.Arg3077Gln). This variant is present in population databases (rs768750489, gnomAD 0.01%). This variant has not been reported in the literature in individuals affected with SYNE1-related conditions. ClinVar contains an entry for this variant (Variation ID: 2043016). An algorithm developed to predict the effect of missense changes on protein structure and function outputs the following: PolyPhen-2: "Benign". The glutamine amino acid residue is found in multiple mammalian species, which suggests that this missense change does not adversely affect protein function. In summary, the available evidence is currently insufficient to determine the role of this variant in disease. Therefore, it has been classified as a Variant of Uncertain Significance.

NM_182961.4(SYNE1):c.9209G>A (p.Arg3070Gln)

Gene: SYNE1 (spectrin repeat containing nuclear envelope protein 1; minus strand). Cytogenetic location: 6q25.2.
Variant type: single nucleotide variant.
Coding change: c.9209G>A on transcript NM_182961.4 (MANE Select); coding-DNA position 9209, G replaced by A.
Protein change: p.Arg3070Gln; replaces arginine 3070 with glutamine.
Molecular consequence: missense variant.
Genome position (GRCh38, 1-based): chr6:152,376,496, C>T on the plus strand (G>A on the coding strand, the complement: SYNE1 is on the minus strand). VCF-style: chr6-152376496-C-T. GRCh37 (hg19) VCF-style: chr6-152697631-C-T.
Other names: c.9230G>A, p.Arg3077Gln (NM_033071.5); short protein forms R3070Q, R3077Q.
Identifiers: ClinVar variation 2043016 (VCV002043016.3), dbSNP rs768750489, ClinGen allele CA4057369.
Genomic context (GRCh38, chr6:152,376,496, plus strand): 5'-CACTTGGCGGTAGTGATTTTTGCATTAACCAACCACTGCTGGAAATCCCTGAAGGCCTTT[C>T]GAAATCTTTGCTGTAAAATCTGTTCTTTATTCTGGCAGCCCTTGGATGCTTGCAAACAAA-3'
Protein context (NP_892006.3, residues 3060-3080): NKEQILQQRF[Arg3070Gln]KAFRDFQQWL